The following is an entry in ClinVar:

ClinVar aggregate classification (germline): Uncertain significance. Review status: criteria provided, multiple submitters, no conflicts (2 of 4 stars). 2 submissions from 2 submitters: Uncertain significance (2). Last evaluated 2024-06-10.

Submissions (2):

Blueprint Genetics
Classification: Uncertain significance. Last evaluated: 2024-06-10. Review status: criteria provided, single submitter. Criteria: ACMG Guidelines, 2015. Collection method: clinical testing. Allele origin: germline.

Labcorp Genetics (formerly Invitae), Labcorp
Classification: Uncertain significance. Last evaluated: 2022-07-14. Review status: criteria provided, single submitter. Criteria: Invitae Variant Classification Sherloc (09022015). Collection method: clinical testing. Allele origin: germline.
Comment: This variant, c.2126_2128del, results in the deletion of 1 amino acid(s) of the CNGB3 protein (p.Gly709del), but otherwise preserves the integrity of the reading frame. This variant is present in population databases (rs749597083, gnomAD 0.002%). This variant has not been reported in the literature in individuals affected with CNGB3-related conditions. Experimental studies and prediction algorithms are not available or were not evaluated, and the functional significance of this variant is currently unknown. In summary, the available evidence is currently insufficient to determine the role of this variant in disease. Therefore, it has been classified as a Variant of Uncertain Significance.

NM_019098.5(CNGB3):c.2123GAG[1] (p.Gly709del)

Gene: CNGB3 (cyclic nucleotide gated channel subunit beta 3; minus strand). Cytogenetic location: 8q21.3.
Variant type: Microsatellite.
Coding change: c.2123GAG[1] on transcript NM_019098.5 (MANE Select); one copy of the 3-base unit GAG starting at c.2123; the reference has two copies in a row; one copy, 3 bases deleted.
Protein change: p.Gly709del; deletes glycine 709.
Molecular consequence: inframe deletion.
Genome position (GRCh38, 1-based): chr8:86,576,106-86,576,108, CTC deleted on the plus strand (GAG on the coding strand, the reverse complement: CNGB3 is on the minus strand); deleting any 3 consecutive bases within chr8:86,576,106-86,576,113 gives the same sequence; the position shown is the placement nearest the transcript's 3' end. VCF-style (leftmost placement, unchanged base first): chr8-86576105-TCTC-T. GRCh37 (hg19) VCF-style: chr8-87588333-TCTC-T.
Other names: short protein forms G709del.
Identifiers: ClinVar variation 2171642 (VCV002171642.2), dbSNP rs749597083, ClinGen allele CA180328821.